The following is an entry in ClinVar:

ClinVar aggregate classification (germline): Uncertain significance (1 of 4 stars; one submission).

Conditions:
Fanconi anemia complementation group J. Also called: BRIP1-Related Fanconi Anemia. Identifiers: Orphanet 84, MedGen C1836860, MONDO:0012187, OMIM 609054.
Familial cancer of breast. Also called: BREAST CANCER, FAMILIAL; Hereditary breast cancer; hereditary breast carcinoma. Identifiers: Orphanet 227535, MedGen C0346153, MONDO:0016419, OMIM 114480. Disease mechanism: loss of function.

Submission:

Labcorp Genetics (formerly Invitae), Labcorp
Classification: Uncertain significance for Familial cancer of breast; Fanconi anemia complementation group J. Last evaluated: 2023-05-15. Review status: criteria provided, single submitter. Criteria: Invitae Variant Classification Sherloc (09022015). Collection method: clinical testing. Allele origin: germline.
Comment: In summary, the available evidence is currently insufficient to determine the role of this variant in disease. Therefore, it has been classified as a Variant of Uncertain Significance. Advanced modeling of protein sequence and biophysical properties (such as structural, functional, and spatial information, amino acid conservation, physicochemical variation, residue mobility, and thermodynamic stability) performed at Invitae indicates that this missense variant is expected to disrupt BRIP1 protein function. This variant has not been reported in the literature in individuals affected with BRIP1-related conditions. This variant is not present in population databases (gnomAD no frequency). This sequence change replaces cysteine, which is neutral and slightly polar, with glycine, which is neutral and non-polar, at codon 684 of the BRIP1 protein (p.Cys684Gly).

NM_032043.3(BRIP1):c.2050T>G (p.Cys684Gly)

Gene: BRIP1 (BRCA1 interacting DNA helicase 1; minus strand). Cytogenetic location: 17q23.2.
Variant type: single nucleotide variant.
Coding change: c.2050T>G on transcript NM_032043.3 (MANE Select); coding-DNA position 2050, T replaced by G.
Protein change: p.Cys684Gly; replaces cysteine 684 with glycine.
Molecular consequence: missense variant.
Genome position (GRCh38, 1-based): chr17:61,776,448, A>C on the plus strand (T>G on the coding strand, the complement: BRIP1 is on the minus strand). VCF-style: chr17-61776448-A-C. GRCh37 (hg19) VCF-style: chr17-59853809-A-C.
Other names: short protein forms C684G.
Identifiers: ClinVar variation 2947771 (VCV002947771.3), dbSNP rs2145028218, ClinGen allele CA400478172.